The following is an entry in ClinVar:

NM_007074.4(CORO1A):c.1180G>A (p.Asp394Asn)

Gene: CORO1A (coronin 1A; plus strand). Cytogenetic location: 16p11.2.
Variant type: single nucleotide variant.
Coding change: c.1180G>A on transcript NM_007074.4 (MANE Select); coding-DNA position 1180, G replaced by A.
Protein change: p.Asp394Asn; replaces aspartic acid 394 with asparagine.
Molecular consequence: missense variant.
Genome position (GRCh38, 1-based): chr16:30,188,475, G>A. VCF-style: chr16-30188475-G-A. GRCh37 (hg19) VCF-style: chr16-30199796-G-A.
Other names: c.1180G>A, p.Asp394Asn (NM_001193333.3); short protein forms D394N.
Identifiers: ClinVar variation 1715037 (VCV001715037.6), dbSNP rs2543758823, ClinGen allele CA395499218.
Genomic context (GRCh38, chr16:30,188,475, plus strand): 5'-CTCACGGCTGAGGAGTGGCTGGGGGGTCGGGATGCTGGGCCCCTCCTCATCTCCCTCAAG[G>A]ATGGCTACGTACCCCCAAAGAGCCGGGAGCTGAGGGTCAACCGGGGCCTGGACACCGGGC-3'
Protein context (NP_009005.1, residues 384-404): DAGPLLISLK[Asp394Asn]GYVPPKSREL

ClinVar aggregate classification (germline): Uncertain significance (1 of 4 stars; one submission).

Conditions:
Severe combined immunodeficiency due to CORO1A deficiency. Also called: Immunodeficiency 8; IMMUNODEFICIENCY 8 WITH LYMPHOPROLIFERATION. Identifiers: Orphanet 228003, MedGen C3809383, MONDO:0014168, OMIM 615401.

Allele frequency attached by ClinVar (database versions not stated): gnomAD exomes below 0.00001.
gnomAD v4.1: 1 of 1,613,374 alleles (0.000062%); no homozygotes.

Submission:

Labcorp Genetics (formerly Invitae), Labcorp
Classification: Uncertain significance for Severe combined immunodeficiency due to CORO1A deficiency. Last evaluated: 2023-12-07. Review status: criteria provided, single submitter. Criteria: Invitae Variant Classification Sherloc (09022015). Collection method: clinical testing. Allele origin: germline.
Comment: This sequence change replaces aspartic acid, which is acidic and polar, with asparagine, which is neutral and polar, at codon 394 of the CORO1A protein (p.Asp394Asn). This variant is not present in population databases (gnomAD no frequency). This variant has not been reported in the literature in individuals affected with CORO1A-related conditions. ClinVar contains an entry for this variant (Variation ID: 1715037). Advanced modeling of protein sequence and biophysical properties (such as structural, functional, and spatial information, amino acid conservation, physicochemical variation, residue mobility, and thermodynamic stability) performed at Invitae indicates that this missense variant is not expected to disrupt CORO1A protein function with a negative predictive value of 80%. In summary, the available evidence is currently insufficient to determine the role of this variant in disease. Therefore, it has been classified as a Variant of Uncertain Significance.